The following is an entry in ClinVar:

ClinVar aggregate classification (germline): Uncertain significance (1 of 4 stars; one submission).

Conditions:
STAT3-related early-onset multisystem autoimmune disease. Also called: Autoimmune disease, multisystem, infantile-onset, 1. Identifiers: Orphanet 438159, MedGen C4014795, MONDO:0014414, OMIM 615952.

Submission:

Laboratorio de Genetica e Diagnostico Molecular, Hospital Israelita Albert Einstein
Classification: Uncertain significance for STAT3-related early-onset multisystem autoimmune disease. Last evaluated: 2023-02-03. Review status: criteria provided, single submitter. Criteria: ACMG Guidelines, 2015. Collection method: clinical testing. Allele origin: germline. Affected: yes.
Comment: ACMG classification criteria: PVS1 moderated, PM2 moderated

NM_139276.3(STAT3):c.2258-2A>G

Gene: STAT3 (signal transducer and activator of transcription 3; minus strand). Cytogenetic location: 17q21.2.
Variant type: single nucleotide variant.
Coding change: c.2258-2A>G on transcript NM_139276.3 (MANE Select); the canonical splice acceptor site of the intron before coding-DNA position 2258, A replaced by G.
Molecular consequence: splice acceptor variant.
Genome position (GRCh38, 1-based): chr17:42,315,802, T>C on the plus strand (A>G on the coding strand, the complement: STAT3 is on the minus strand). VCF-style: chr17-42315802-T-C. GRCh37 (hg19) VCF-style: chr17-40467820-T-C.
Other names: c.2159-2A>G (NM_001384989.1); c.2198-2A>G (NM_001384992.1); c.2174-2A>G (NM_001384984.1); c.*39-2A>G (NM_001369519.1, NM_001369517.1, NM_001369518.1 and 4 more transcripts); c.2255-2A>G (NM_003150.4, NM_001369514.1, NM_001369516.1); c.2258-2A>G (NM_001369512.1, NM_001369513.1); c.2180-2A>G (NM_001384985.1); c.2237-2A>G (NM_001384987.1); and 3 more.
Identifiers: ClinVar variation 2431605 (VCV002431605.2), dbSNP rs2509100525, ClinGen allele CA399579195.
Genomic context (GRCh38, chr17:42,315,802, plus strand): 5'-TCCTCACATGGGGGAGGTAGCGCACTCCGAGGTCAACTCCATGTCAAAGGTGAGGGACTC[T>C]GGAGGGACAGACAGGGAAAACTAGTTCAGTTGTCCACCCTCTGCAACTGGCAGGCCACGC-3'